The following is an entry in ClinVar:

NM_006329.4(FBLN5):c.143C>T (p.Thr48Ile)

Gene: FBLN5 (fibulin 5; minus strand). Cytogenetic location: 14q32.12.
Variant type: single nucleotide variant.
Coding change: c.143C>T on transcript NM_006329.4 (MANE Select); coding-DNA position 143, C replaced by T.
Protein change: p.Thr48Ile; replaces threonine 48 with isoleucine.
Molecular consequence: missense variant. On other transcripts: 5 prime UTR variant (2).
Genome position (GRCh38, 1-based): chr14:91,937,183, G>A on the plus strand (C>T on the coding strand, the complement: FBLN5 is on the minus strand). VCF-style: chr14-91937183-G-A. GRCh37 (hg19) VCF-style: chr14-92403527-G-A.
Other names: c.266C>T, p.Thr89Ile (NM_001384158.1); c.194C>T, p.Thr65Ile (NM_001384159.1); c.143C>T, p.Thr48Ile (NM_001384160.1); c.-26C>T (NM_001384161.1, NM_001384162.1); short protein forms T48I, T89I, T65I.
Identifiers: ClinVar variation 1030095 (VCV001030095.12), dbSNP rs141200859, ClinGen allele CA7312924.

ClinVar aggregate classification (germline): Conflicting classifications of pathogenicity. Review status: criteria provided, conflicting classifications (1 of 4 stars). 6 submissions from 6 submitters: Uncertain significance (4); Likely benign (1). 1 of the submissions does not count toward it. Last evaluated 2026-07-01.

Conditions:
FBLN5-related disorder. Also called: FBLN5-related condition.
Age-related macular degeneration (ARMD). Also called: MACULAR DEGENERATION, AGE-RELATED, REDUCED RISK OF. Identifiers: MedGen C0242383, MONDO:0005150.
Cutis laxa, autosomal dominant 2 (ADCL2). Identifiers: Orphanet 90348, MedGen C3280794, MONDO:0013751, OMIM 614434.

Allele frequency attached by ClinVar (database versions not stated): ESP Exome Variant Server 0.00015; ExAC 0.00018; gnomAD exomes 0.00018; gnomAD 0.00025 and 0.00026; TOPMed 0.00026.
gnomAD v4.1: 159 of 1,614,002 alleles (0.0099%); highest among the groups gnomAD compares: Middle Eastern, 0.12%; 1 homozygote.

Submissions (6):

CeGaT Center for Human Genetics Tuebingen
Classification: Likely benign. Last evaluated: 2026-07-01. Review status: criteria provided, single submitter. Criteria: CeGaT Center For Human Genetics Tuebingen Variant Classification Criteria Version 2. Collection method: clinical testing. Allele origin: germline. Affected: yes. Observed: 1 variant allele.
Comment: FBLN5: BS2

Labcorp Genetics (formerly Invitae), Labcorp
Classification: Uncertain significance. Last evaluated: 2026-02-02. Review status: criteria provided, single submitter. Criteria: Invitae Variant Classification Sherloc (09022015). Collection method: clinical testing. Allele origin: germline.
Comment: This sequence change replaces threonine, which is neutral and polar, with isoleucine, which is neutral and non-polar, at codon 48 of the FBLN5 protein (p.Thr48Ile). This variant is present in population databases (rs141200859, gnomAD 0.06%). This missense change has been observed in individual(s) with age-related macular degeneration (PMID: 21576112). ClinVar contains an entry for this variant (Variation ID: 1030095). An algorithm developed to predict the effect of missense changes on protein structure and function (PolyPhen-2) suggests that this variant is likely to be tolerated. In summary, the available evidence is currently insufficient to determine the role of this variant in disease. Therefore, it has been classified as a Variant of Uncertain Significance.

PreventionGenetics, part of Exact Sciences
Classification: Uncertain significance for FBLN5-related condition. Last evaluated: 2024-11-19. Review status: criteria provided, single submitter. Criteria: ACMG Guidelines, 2015. Collection method: clinical testing. Allele origin: germline.
Comment: The FBLN5 c.143C>T variant is predicted to result in the amino acid substitution p.Thr48Ile. This variant has been reported in an individual with Age-related macular degeneration (Auer-Grumbach et al. 2011. PubMed ID: 21576112). This variant is reported in 0.059% of alleles in individuals of Latino descent in gnomAD. At this time, the clinical significance of this variant is uncertain due to the absence of conclusive functional and genetic evidence.

GeneDx
Classification: Uncertain significance. Last evaluated: 2023-12-28. Review status: criteria provided, single submitter. Criteria: GeneDx Variant Classification Process June 2021. Collection method: clinical testing. Allele origin: germline.
Comment: In silico analysis supports that this missense variant has a deleterious effect on protein structure/function; This variant is associated with the following publications: (PMID: 21576112)

Baylor Genetics
Classification: Uncertain significance for Cutis laxa, autosomal dominant 2. Last evaluated: 2019-03-27. Review status: criteria provided, single submitter. Criteria: ACMG Guidelines, 2015. Collection method: clinical testing. Allele origin: maternal. Affected: yes.
Comment: This variant was determined to be of uncertain significance according to ACMG Guidelines, 2015 [PMID:25741868].

Inherited Neuropathy Consortium Ii, University Of Miami
Classification: Uncertain significance. Last evaluated: 2016-01-06. Review status: no assertion criteria provided. Collection method: literature only. Allele origin: germline. Affected: yes. Not counted in ClinVar's aggregate classification.

Literature cited by the submitters: PubMed 21576112 (cited by Labcorp Genetics (formerly Invitae), Labcorp and Inherited Neuropathy Consortium Ii, University Of Miami).